The following is an entry in ClinVar:

ClinVar aggregate classification (germline): Uncertain significance. Review status: criteria provided, multiple submitters, no conflicts (2 of 4 stars). 2 submissions from 2 submitters: Uncertain significance (2). Last evaluated 2025-10-11.

Conditions:
POLD1-related polyposis and colorectal cancer syndrome (CRCS10). Also called: Colorectal cancer 10; COLORECTAL CANCER, SUSCEPTIBILITY TO, ON CHROMOSOME 19q; Colorectal cancer, susceptibility to, 10. Identifiers: Orphanet 220460, MedGen C2675481, MONDO:0012953, OMIM 612591.
Hereditary cancer-predisposing syndrome. Also called: Neoplastic Syndromes, Hereditary; Hereditary neoplastic syndrome; Tumor predisposition; Hereditary Cancer Syndrome. Identifiers: Orphanet 140162, MedGen C0027672, MeSH D009386, MONDO:0015356.

Allele frequency attached by ClinVar (database versions not stated): gnomAD exomes below 0.00001.
gnomAD v4.1: 1 of 1,614,044 alleles (0.000062%); highest among the groups gnomAD compares: Admixed American, 0.0017%; no homozygotes.

Submissions (2):

Ambry Genetics
Classification: Uncertain significance for Hereditary cancer-predisposing syndrome. Last evaluated: 2025-10-11. Review status: criteria provided, single submitter. Criteria: Ambry Variant Classification Scheme 2023. Collection method: clinical testing. Allele origin: germline.
Comment: The p.A152P variant (also known as c.454G>C), located in coding exon 3 of the POLD1 gene, results from a G to C substitution at nucleotide position 454. The alanine at codon 152 is replaced by proline, an amino acid with highly similar properties. This amino acid position is conserved. In addition, this alteration is predicted to be tolerated by in silico analysis. Based on the available evidence, the clinical significance of this variant remains unclear.

Labcorp Genetics (formerly Invitae), Labcorp
Classification: Uncertain significance for POLD1-related polyposis and colorectal cancer syndrome. Last evaluated: 2024-08-10. Review status: criteria provided, single submitter. Criteria: Invitae Variant Classification Sherloc (09022015). Collection method: clinical testing. Allele origin: germline.
Comment: This sequence change replaces alanine, which is neutral and non-polar, with proline, which is neutral and non-polar, at codon 152 of the POLD1 protein (p.Ala152Pro). This variant is not present in population databases (gnomAD no frequency). This variant has not been reported in the literature in individuals affected with POLD1-related conditions. ClinVar contains an entry for this variant (Variation ID: 469352). Advanced modeling of protein sequence and biophysical properties (such as structural, functional, and spatial information, amino acid conservation, physicochemical variation, residue mobility, and thermodynamic stability) performed at Invitae indicates that this missense variant is not expected to disrupt POLD1 protein function with a negative predictive value of 80%. In summary, the available evidence is currently insufficient to determine the role of this variant in disease. Therefore, it has been classified as a Variant of Uncertain Significance.

NM_002691.4(POLD1):c.454G>C (p.Ala152Pro)

Gene: POLD1 (DNA polymerase delta 1, catalytic subunit; plus strand). Cytogenetic location: 19q13.33.
Variant type: single nucleotide variant.
Coding change: c.454G>C on transcript NM_002691.4 (MANE Select); coding-DNA position 454, G replaced by C.
Protein change: p.Ala152Pro; replaces alanine 152 with proline.
Molecular consequence: missense variant. On other transcripts: non-coding transcript variant (1).
Genome position (GRCh38, 1-based): chr19:50,401,915, G>C. VCF-style: chr19-50401915-G-C. GRCh37 (hg19) VCF-style: chr19-50905172-G-C.
Other names: c.454G>C, p.Ala152Pro (NM_001256849.1, NM_001308632.1); c.454G>C (NM_002691.2); short protein forms A152P.
Identifiers: ClinVar variation 469352 (VCV000469352.9), dbSNP rs1555789809, ClinGen allele CA406972763.